The following is an entry in ClinVar:

NM_002878.4(RAD51D):c.165G>A (p.Arg55=)

Genes: RAD51L3-RFFL (RAD51L3-RFFL readthrough; minus strand), RAD51D (RAD51 paralog D; minus strand). Cytogenetic location: 17q12.
Variant type: single nucleotide variant.
Coding change: c.165G>A on transcript NM_002878.4 (MANE Select); coding-DNA position 165, G replaced by A.
Protein change: p.Arg55=; no amino-acid change (arginine 55 retained).
Molecular consequence: synonymous variant. On other transcripts: intron variant (2).
Genome position (GRCh38, 1-based): chr17:35,118,599, C>T on the plus strand (G>A on the coding strand, the complement: RAD51D is on the minus strand). VCF-style: chr17-35118599-C-T. GRCh37 (hg19) VCF-style: chr17-33445618-C-T.
Other names: c.144+512G>A (NM_133629.3, NM_001142571.2).
Identifiers: ClinVar variation 3903757 (VCV003903757.1).

ClinVar aggregate classification (germline): Benign (1 of 4 stars; one submission).

Conditions:
Breast-ovarian cancer, familial, susceptibility to, 4. Identifiers: Orphanet 145, MedGen C3280345, MONDO:0013669, OMIM 614291.

Submission:

Myriad Genetics, Inc.
Classification: Benign for Breast-ovarian cancer, familial, susceptibility to, 4. Last evaluated: 2025-02-20. Review status: criteria provided, single submitter. Criteria: Myriad Autosomal Dominant, Autosomal Recessive and X-Linked Classification Criteria (2023). Collection method: clinical testing. Allele origin: unknown.
Comment: This variant is considered benign. This variant is a silent/synonymous amino acid change and it is not expected to impact splicing.